The following is an entry in ClinVar:

NM_015662.3(IFT172):c.4279T>C (p.Trp1427Arg)

Gene: IFT172 (intraflagellar transport 172; minus strand). Cytogenetic location: 2p23.3.
Variant type: single nucleotide variant.
Coding change: c.4279T>C on transcript NM_015662.3 (MANE Select); coding-DNA position 4279, T replaced by C.
Protein change: p.Trp1427Arg; replaces tryptophan 1427 with arginine.
Molecular consequence: missense variant.
Genome position (GRCh38, 1-based): chr2:27,449,326, A>G on the plus strand (T>C on the coding strand, the complement: IFT172 is on the minus strand). VCF-style: chr2-27449326-A-G. GRCh37 (hg19) VCF-style: chr2-27672193-A-G.
Other names: short protein forms W1427R.
Identifiers: ClinVar variation 1039556 (VCV001039556.9), dbSNP rs1665443434, ClinGen allele CA346420902.

ClinVar aggregate classification (germline): Uncertain significance (1 of 4 stars; one submission).

Conditions:
Short-rib thoracic dysplasia 10 with or without polydactyly (SRTD10). Identifiers: Orphanet 474, MedGen C3810175, MONDO:0014284, OMIM 615630.
Retinitis pigmentosa 71 (RP71). Identifiers: Orphanet 791, MedGen C4225342, MONDO:0014618, OMIM 616394.

Submission:

Labcorp Genetics (formerly Invitae), Labcorp
Classification: Uncertain significance for Retinitis pigmentosa 71; Short-rib thoracic dysplasia 10 with or without polydactyly. Last evaluated: 2020-01-10. Review status: criteria provided, single submitter. Criteria: Invitae Variant Classification Sherloc (09022015). Collection method: clinical testing. Allele origin: germline.
Comment: In summary, the available evidence is currently insufficient to determine the role of this variant in disease. Therefore, it has been classified as a Variant of Uncertain Significance. Algorithms developed to predict the effect of missense changes on protein structure and function are either unavailable or do not agree on the potential impact of this missense change (SIFT: "Deleterious"; PolyPhen-2: "Probably Damaging"; Align-GVGD: "Class C0"). This variant has not been reported in the literature in individuals with IFT172-related conditions. This variant is not present in population databases (ExAC no frequency). This sequence change replaces tryptophan with arginine at codon 1427 of the IFT172 protein (p.Trp1427Arg). The tryptophan residue is highly conserved and there is a moderate physicochemical difference between tryptophan and arginine.